The following is an entry in ClinVar:

ClinVar aggregate classification (germline): Uncertain significance. Review status: criteria provided, multiple submitters, no conflicts (2 of 4 stars). 6 submissions from 6 submitters: Uncertain significance (6). Last evaluated 2025-06-04.

Conditions:
Charcot-Marie-Tooth disease type 2. Also called: Charcot-Marie-Tooth type 2. Identifiers: Orphanet 64746, MedGen C0270914, MONDO:0018993.
Inborn genetic diseases. Identifiers: MedGen C0950123, MeSH D030342.
Charcot-Marie-Tooth disease axonal type 2N (CMT2N). Also called: CHARCOT-MARIE-TOOTH DISEASE, AXONAL, AUTOSOMAL DOMINANT, TYPE 2N; CHARCOT-MARIE-TOOTH NEUROPATHY, AXONAL, TYPE 2N; Charcot-Marie-Tooth Neuropathy Type 2N. Identifiers: Orphanet 228174, MedGen C2750090, MONDO:0013212, OMIM 613287.

Submissions (6):

Labcorp Genetics (formerly Invitae), Labcorp
Classification: Uncertain significance for Charcot-Marie-Tooth disease type 2. Last evaluated: 2025-06-04. Review status: criteria provided, single submitter. Criteria: Invitae Variant Classification Sherloc (09022015). Collection method: clinical testing. Allele origin: germline.
Comment: This sequence change falls in intron 20 of the AARS gene. It does not directly change the encoded amino acid sequence of the AARS protein. This variant is present in population databases (rs768242660, gnomAD 0.007%). This variant has been observed in individual(s) with clinical features of autosomal dominant AARS-related conditions (internal data). This variant is also known as c.2722-28_2740dup (p.Leu914*). ClinVar contains an entry for this variant (Variation ID: 1682088). Experimental studies and prediction algorithms are not available or were not evaluated, and the effect of this variant on mRNA splicing is currently unknown. In summary, the available evidence is currently insufficient to determine the role of this variant in disease. Therefore, it has been classified as a Variant of Uncertain Significance.

Mayo Clinic Laboratories, Mayo Clinic
Classification: Uncertain significance. Last evaluated: 2024-10-11. Review status: criteria provided, single submitter. Criteria: ACMG Guidelines, 2015. Collection method: clinical testing. Allele origin: germline. Observed: 2 variant alleles.

CeGaT Center for Human Genetics Tuebingen
Classification: Uncertain significance. Last evaluated: 2024-10-01. Review status: criteria provided, single submitter. Criteria: CeGaT Center For Human Genetics Tuebingen Variant Classification Criteria Version 2. Collection method: clinical testing. Allele origin: germline. Affected: yes. Observed: 1 variant allele.
Comment: AARS1: PP3

Women's Health and Genetics/Laboratory Corporation of America, LabCorp
Classification: Uncertain significance. Last evaluated: 2023-08-25. Review status: criteria provided, single submitter. Criteria: LabCorp Variant Classification Summary - May 2015. Collection method: clinical testing. Allele origin: germline.
Comment: Variant summary: AARS/AARS1 c.2722-28_2740dup47 results in a duplication spanning the boundary between intron 20 and exon 21. Several computational tools predict a significant impact on normal splicing: Four predict the variant creates an additional 3' splice acceptor site. However, these predictions have yet to be confirmed by functional studies. The variant allele was found at a frequency of 3.2e-05 in 251022 control chromosomes (gnomAD). The available data on variant occurrences in the general population are insufficient to allow any conclusion about variant significance. To our knowledge, no occurrence of c.2722-28_2740dup47 in individuals affected with Developmental And Epileptic Encephalopathy, 29 and no experimental evidence demonstrating its impact on protein function have been reported. Two submitters have cited clinical-significance assessments for this variant to ClinVar after 2014. Both submitters classified the variant as uncertain significance. Based on the evidence outlined above, the variant was classified as uncertain significance.

Department of Pathology and Laboratory Medicine, Sinai Health System
Classification: Uncertain significance for Charcot-Marie-Tooth disease axonal type 2N. Last evaluated: 2023-05-09. Review status: criteria provided, single submitter. Criteria: ACMG Guidelines, 2015. Collection method: research. Allele origin: germline.

Ambry Genetics
Classification: Uncertain significance for Inborn genetic diseases. Last evaluated: 2021-03-25. Review status: criteria provided, single submitter. Criteria: Ambry Variant Classification Scheme 2023. Collection method: clinical testing. Allele origin: germline.
Comment: The c.2722-28_2740dup47 variant results from a duplication of 47 nucleotides spanning the canonical splice acceptor site before coding exon 21 of the AARS gene. The canonical splice acceptor site is highly conserved in available vertebrate species. In silico splice site analysis for this alteration is inconclusive; however, direct evidence is unavailable. Based on the supporting evidence, this variant is unlikely to be causative of autosomal dominant Charcot-Marie-Tooth disease, axonal, type 2N; however, its contribution to the development of autosomal recessive AARS-related cytoplasmic alanyl-tRNA synthetase deficiency is uncertain.

NM_001605.3(AARS1):c.2722-28_2740dup

Gene: AARS1 (alanyl-tRNA synthetase 1; minus strand). Cytogenetic location: 16q22.1.
Variant type: Duplication.
Coding change: c.2722-28_2740dup on transcript NM_001605.3 (MANE Select); 28 bases into the intron before coding-DNA position 2722 through coding-DNA position 2740, 47 bases duplicated.
Molecular consequence: splice acceptor variant.
Genome position (GRCh38, 1-based): chr16:70,252,888-70,252,934, 47 bases duplicated; duplicating any 47 consecutive bases within chr16:70,252,888-70,252,937 gives the same sequence; the c. name uses the placement nearest the transcript's 3' end. GRCh37 (hg19): chr16:70,286,794-70,286,840.
Other names: p.Leu914*; c.2722-28_2740dup (NM_001605.2); c.2722-28_2740dup47 (NM_001605.2).
Identifiers: ClinVar variation 1682088 (VCV001682088.25), dbSNP rs768242660, ClinGen allele CA8140275.